The following is an entry in ClinVar:

ClinVar aggregate classification (germline): Likely benign. Review status: criteria provided, multiple submitters, no conflicts (2 of 4 stars). 13 submissions from 13 submitters: Likely benign (12). 1 of the submissions does not count toward it. Last evaluated 2026-03-16.

Conditions:
Ehlers-Danlos syndrome, classic type, 1 (EDSCL1). Also called: EHLERS-DANLOS SYNDROME, GRAVIS TYPE; EHLERS-DANLOS SYNDROME, SEVERE CLASSIC TYPE; Ehlers-Danlos syndrome, type 1; Ehlers-Danlos Syndrome, Classic Type, COL5A1-Related; EDS I. Identifiers: MedGen C0268335, MONDO:0019567, OMIM 130000.
Ehlers-Danlos syndrome (EDS). Identifiers: Orphanet 98249, MedGen C0013720, MONDO:0020066.
Ehlers-Danlos syndrome, classic type (cEDS). Identifiers: Orphanet 287, MedGen C4225429, MONDO:0007522.
COL5A1-related disorder. Also called: COL5A1-related condition.
Familial thoracic aortic aneurysm and aortic dissection (TAAD). Also called: Thoracic aortic aneurysms and dissections. Identifiers: Orphanet 91387, MedGen C4707243, MONDO:0019625.

Allele frequency attached by ClinVar (database versions not stated): ESP Exome Variant Server 0.00054; gnomAD 0.00057 and 0.00060; 1000 Genomes Project 0.00060; ExAC 0.00061; 1000 Genomes Project 30x 0.00062; gnomAD exomes 0.00063 and 0.00112; TOPMed 0.00067.
gnomAD v4.1: 1,721 of 1,614,138 alleles (0.11%); highest among the groups gnomAD compares: Non-Finnish European, 0.13%; 1 homozygote.

Submissions (13):

Women's Health and Genetics/Laboratory Corporation of America, LabCorp
Classification: Likely benign. Last evaluated: 2026-03-16. Review status: criteria provided, single submitter. Criteria: LabCorp Variant Classification Summary - May 2015. Collection method: clinical testing. Allele origin: germline.
Comment: Variant summary: COL5A1 c.2096C>T (p.Thr699Met) results in a non-conservative amino acid change in the encoded protein sequence. Algorithms developed to predict the effect of missense changes on protein structure and function all suggest that this variant is likely to be disruptive. The variant allele was found at a frequency of 0.00063 in 250916 control chromosomes, predominantly at a frequency of 0.00094 within the Non-Finnish European subpopulation in the gnomAD database. The observed variant frequency within Non-Finnish European control individuals in the gnomAD database exceeds the estimated maximal expected allele frequency for disease-causing variants in COL5A1. c.2096C>T has been observed in individuals affected with keratoconus, however without strong evidence for causality (e.g., lack of co-occurrence and co-segregation data), and the variant was also identified in healthy controls (e.g., Lucas_2018, Fransen_2021). These reports do not provide unequivocal conclusions about association of the variant with COL5A1-related conditions. To our knowledge, no experimental evidence demonstrating an impact on protein function has been reported. The following publications have been ascertained in the context of this evaluation (PMID: 33737726, 29924831). ClinVar contains an entry for this variant (Variation ID: 213040). Based on the evidence outlined above, the variant was classified as likely benign.

Labcorp Genetics (formerly Invitae), Labcorp
Classification: Likely benign for Ehlers-Danlos syndrome, classic type, 1. Last evaluated: 2026-02-03. Review status: criteria provided, single submitter. Criteria: Invitae Variant Classification Sherloc (09022015). Collection method: clinical testing. Allele origin: germline.

Molecular Diagnostic Laboratory for Inherited Cardiovascular Disease, Montreal Heart Institute
Classification: Likely benign. Last evaluated: 2025-04-09. Review status: criteria provided, single submitter. Criteria: ACMG Guidelines, 2015. Collection method: clinical testing. Allele origin: germline. Affected: no.
Comment: BS1, BP4, BP6

Mayo Clinic Laboratories, Mayo Clinic
Classification: Likely benign. Last evaluated: 2024-12-10. Review status: criteria provided, single submitter. Criteria: ACMG Guidelines, 2015. Collection method: clinical testing. Allele origin: germline. Observed: 8 variant alleles.

Blueprint Genetics
Classification: Likely benign. Last evaluated: 2024-11-05. Review status: criteria provided, single submitter. Criteria: ACMG Guidelines, 2015. Collection method: clinical testing. Allele origin: germline.

ARUP Laboratories, Molecular Genetics and Genomics, ARUP Laboratories
Classification: Likely benign. Last evaluated: 2023-12-15. Review status: criteria provided, single submitter. Criteria: ARUP Molecular Germline Variant Investigation Process 2024. Collection method: clinical testing. Allele origin: germline.

CeGaT Center for Human Genetics Tuebingen
Classification: Likely benign. Last evaluated: 2023-05-01. Review status: criteria provided, single submitter. Criteria: CeGaT Center For Human Genetics Tuebingen Variant Classification Criteria Version 2. Collection method: clinical testing. Allele origin: germline. Affected: yes. Observed: 1 variant allele.
Comment: COL5A1: BS1

GeneDx
Classification: Likely benign. Last evaluated: 2021-01-06. Review status: criteria provided, single submitter. Criteria: GeneDx Variant Classification Process June 2021. Collection method: clinical testing. Allele origin: germline. Affected: yes.
Comment: This variant is associated with the following publications: (PMID: 29924831)

Genome Diagnostics Laboratory, The Hospital for Sick Children
Classification: Likely benign for Ehlers-Danlos syndrome. Last evaluated: 2019-11-01. Review status: criteria provided, single submitter. Criteria: ACMG Guidelines, 2015. Collection method: clinical testing. Allele origin: germline.

Eurofins Ntd Llc (ga)
Classification: Likely benign. Last evaluated: 2018-05-22. Review status: criteria provided, single submitter. Criteria: EGL ClinVar v180209 classification definitions. Collection method: clinical testing. Allele origin: germline. Observed: 1 variant allele, 1 heterozygote.

Illumina Laboratory Services, Illumina
Classification: Likely benign for Ehlers-Danlos syndrome, classic type, 1. Last evaluated: 2018-01-13. Review status: criteria provided, single submitter. Criteria: ICSL Variant Classification Criteria 13 December 2019. Collection method: clinical testing. Allele origin: germline.
Comment: This variant was observed in the ICSL laboratory as part of a predisposition screen in an ostensibly healthy population. It had not been previously curated by ICSL or reported in the Human Gene Mutation Database (HGMD: prior to June 1st, 2018), and was therefore a candidate for classification through an automated scoring system. Utilizing variant allele frequency, disease prevalence and penetrance estimates, and inheritance mode, an automated score was calculated to assess if this variant is too frequent to cause the disease. Based on the score and internal cut-off values, a variant classified as likely benign is not then subjected to further curation. The score for this variant resulted in a classification of likely benign for this disease.

Ambry Genetics
Classification: Likely benign for Familial thoracic aortic aneurysm and aortic dissection. Last evaluated: 2017-09-21. Review status: criteria provided, single submitter. Criteria: Ambry Variant Classification Scheme 2023. Collection method: clinical testing. Allele origin: germline.

PreventionGenetics, part of Exact Sciences
Classification: Likely benign for COL5A1-related condition. Last evaluated: 2021-10-27. Review status: no assertion criteria provided. Collection method: clinical testing. Allele origin: germline. Not counted in ClinVar's aggregate classification.
Comment: This variant is classified as likely benign based on ACMG/AMP sequence variant interpretation guidelines (Richards et al. 2015 PMID: 25741868, with internal and published modifications).

Literature cited by the submitters: PubMed 29924831 (cited by Women's Health and Genetics/Laboratory Corporation of America, LabCorp); PubMed 33737726 (cited by Women's Health and Genetics/Laboratory Corporation of America, LabCorp).

NM_000093.5(COL5A1):c.2096C>T (p.Thr699Met)

Gene: COL5A1 (collagen type V alpha 1 chain; plus strand). Cytogenetic location: 9q34.3.
Variant type: single nucleotide variant.
Coding change: c.2096C>T on transcript NM_000093.5 (MANE Select); coding-DNA position 2096, C replaced by T.
Protein change: p.Thr699Met; replaces threonine 699 with methionine.
Molecular consequence: missense variant.
Genome position (GRCh38, 1-based): chr9:134,766,461, C>T. VCF-style: chr9-134766461-C-T. GRCh37 (hg19) VCF-style: chr9-137658307-C-T.
Other names: p.T699M:ACG>ATG; c.2096C>T, p.Thr699Met (NM_001278074.1); short protein forms T699M.
Identifiers: ClinVar variation 213040 (VCV000213040.66), dbSNP rs142313124, ClinGen allele CA320777.